The following is an entry in ClinVar:

ClinVar aggregate classification (germline): Likely pathogenic (1 of 4 stars; one submission).

Conditions:
Early-infantile DEE. Also called: Ohtahara syndrome; Early infantile epileptic encephalopathy; Early infantile epileptic encephalopathy with suppression bursts. Identifiers: Orphanet 1934, MedGen C0393706, MONDO:0800491.

Allele frequency attached by ClinVar (database versions not stated): gnomAD exomes below 0.00001.
gnomAD v4.1: 1 of 1,605,592 alleles (0.000062%); highest among the groups gnomAD compares: Non-Finnish European, 0.000085%; no homozygotes.

Submission:

Labcorp Genetics (formerly Invitae), Labcorp
Classification: Likely pathogenic for Early-infantile DEE. Last evaluated: 2024-08-13. Review status: criteria provided, single submitter. Criteria: Invitae Variant Classification Sherloc (09022015). Collection method: clinical testing. Allele origin: germline.
Comment: This sequence change replaces glycine, which is neutral and non-polar, with serine, which is neutral and polar, at codon 329 of the SCN1A protein (p.Gly329Ser). This variant is not present in population databases (gnomAD no frequency). This variant has not been reported in the literature in individuals affected with SCN1A-related conditions. ClinVar contains an entry for this variant (Variation ID: 1524618). Invitae Evidence Modeling of protein sequence and biophysical properties (such as structural, functional, and spatial information, amino acid conservation, physicochemical variation, residue mobility, and thermodynamic stability) indicates that this missense variant is expected to disrupt SCN1A protein function with a positive predictive value of 95%. This variant disrupts the p.Gly329 amino acid residue in SCN1A. Other variant(s) that disrupt this residue have been determined to be pathogenic (PMID: 32538476; Invitae). This suggests that this residue is clinically significant, and that variants that disrupt this residue are likely to be disease-causing. In summary, the currently available evidence indicates that the variant is pathogenic, but additional data are needed to prove that conclusively. Therefore, this variant has been classified as Likely Pathogenic.

Literature cited by the submitters: PubMed 32538476.

NM_001165963.4(SCN1A):c.985G>A (p.Gly329Ser)

Gene: SCN1A (sodium voltage-gated channel alpha subunit 1; minus strand). Cytogenetic location: 2q24.3.
Variant type: single nucleotide variant.
Coding change: c.985G>A on transcript NM_001165963.4 (MANE Select); coding-DNA position 985, G replaced by A.
Protein change: p.Gly329Ser; replaces glycine 329 with serine.
Molecular consequence: missense variant. On other transcripts: 5 prime UTR variant (1), non-coding transcript variant (1).
Genome position (GRCh38, 1-based): chr2:166,048,929, C>T on the plus strand (G>A on the coding strand, the complement: SCN1A is on the minus strand). VCF-style: chr2-166048929-C-T. GRCh37 (hg19) VCF-style: chr2-166905439-C-T.
Other names: c.985G>A, p.Gly329Ser (NM_001165964.3, NM_001202435.3, NM_001353948.2 and 10 more transcripts); c.-1441G>A (NM_001353961.2); short protein forms G329S.
Identifiers: ClinVar variation 1524618 (VCV001524618.7), dbSNP rs781746113, ClinGen allele CA59799645.